The following is an entry in ClinVar:

ClinVar aggregate classification (germline): Uncertain significance (1 of 4 stars; one submission).

Conditions:
Ehlers-Danlos syndrome, classic type, 1 (EDSCL1). Also called: EDS I; Ehlers-Danlos syndrome, type 1; EHLERS-DANLOS SYNDROME, GRAVIS TYPE; EHLERS-DANLOS SYNDROME, SEVERE CLASSIC TYPE; Ehlers-Danlos Syndrome, Classic Type, COL5A1-Related. Identifiers: MedGen C0268335, MONDO:0019567, OMIM 130000.

Submission:

Labcorp Genetics (formerly Invitae), Labcorp
Classification: Uncertain significance for Ehlers-Danlos syndrome, classic type, 1. Last evaluated: 2022-09-29. Review status: criteria provided, single submitter. Criteria: Invitae Variant Classification Sherloc (09022015). Collection method: clinical testing. Allele origin: germline.
Comment: This sequence change replaces proline, which is neutral and non-polar, with arginine, which is basic and polar, at codon 765 of the COL5A1 protein (p.Pro765Arg). In summary, the available evidence is currently insufficient to determine the role of this variant in disease. Therefore, it has been classified as a Variant of Uncertain Significance. Advanced modeling of protein sequence and biophysical properties (such as structural, functional, and spatial information, amino acid conservation, physicochemical variation, residue mobility, and thermodynamic stability) has been performed at Invitae for this missense variant, however the output from this modeling did not meet the statistical confidence thresholds required to predict the impact of this variant on COL5A1 protein function. This variant has not been reported in the literature in individuals affected with COL5A1-related conditions. This variant is not present in population databases (gnomAD no frequency).

NM_000093.5(COL5A1):c.2294C>G (p.Pro765Arg)

Gene: COL5A1 (collagen type V alpha 1 chain; plus strand). Cytogenetic location: 9q34.3.
Variant type: single nucleotide variant.
Coding change: c.2294C>G on transcript NM_000093.5 (MANE Select); coding-DNA position 2294, C replaced by G.
Protein change: p.Pro765Arg; replaces proline 765 with arginine.
Molecular consequence: missense variant.
Genome position (GRCh38, 1-based): chr9:134,772,797, C>G. VCF-style: chr9-134772797-C-G. GRCh37 (hg19) VCF-style: chr9-137664643-C-G.
Other names: c.2294C>G, p.Pro765Arg (NM_001278074.1); short protein forms P765R.
Identifiers: ClinVar variation 1720674 (VCV001720674.6), dbSNP rs2490683479, ClinGen allele CA375451099.